The following is an entry in ClinVar:

ClinVar aggregate classification (germline): Benign. Review status: criteria provided, single submitter (1 of 4 stars). 2 submissions from 2 submitters: Benign (1). 1 of the submissions does not count toward it. Last evaluated 2026-01-11.

Conditions:
TFG-related disorder. Also called: TFG-related condition; TFG-related disorders.
Hereditary motor and sensory neuropathy, Okinawa type (HMSNO). Also called: HEREDITARY MOTOR AND SENSORY NEUROPATHY, PROXIMAL TYPE. Identifiers: Orphanet 90117, MedGen C1858338, MONDO:0011468, OMIM 604484.
Hereditary spastic paraplegia 57. Also called: Spastic paraplegia 57, autosomal recessive. Identifiers: Orphanet 431329, MedGen C3714897, MONDO:0014295, OMIM 615658.

Allele frequency attached by ClinVar (database versions not stated): TOPMed 0.00006.
gnomAD v4.1: 44 of 1,467,176 alleles (0.003%); highest among the groups gnomAD compares: Admixed American, 0.097%; no homozygotes.

Submissions (2):

Labcorp Genetics (formerly Invitae), Labcorp
Classification: Benign for Hereditary motor and sensory neuropathy, Okinawa type; Hereditary spastic paraplegia 57. Last evaluated: 2026-01-11. Review status: criteria provided, single submitter. Criteria: Invitae Variant Classification Sherloc (09022015). Collection method: clinical testing. Allele origin: germline.

PreventionGenetics, part of Exact Sciences
Classification: Likely benign for TFG-related condition. Last evaluated: 2020-02-14. Review status: no assertion criteria provided. Collection method: clinical testing. Allele origin: germline. Not counted in ClinVar's aggregate classification.
Comment: This variant is classified as likely benign based on ACMG/AMP sequence variant interpretation guidelines (Richards et al. 2015 PMID: 25741868, with internal and published modifications).

NM_006070.6(TFG):c.185-10T>C

Gene: TFG (trafficking from ER to golgi regulator; plus strand). Cytogenetic location: 3q12.2.
Variant type: single nucleotide variant.
Coding change: c.185-10T>C on transcript NM_006070.6 (MANE Select); 10 bases into the intron before coding-DNA position 185, T replaced by C.
Molecular consequence: intron variant.
Genome position (GRCh38, 1-based): chr3:100,719,965, T>C. VCF-style: chr3-100719965-T-C. GRCh37 (hg19) VCF-style: chr3-100438809-T-C.
Other names: c.185-10T>C (NM_001007565.2, NM_001195479.2, NM_001195478.2).
Identifiers: ClinVar variation 466406 (VCV000466406.12), dbSNP rs79631225, ClinGen allele CA2517018.